The following is an entry in ClinVar:

NM_004204.5(PIGQ):c.1210G>A (p.Val404Ile)

Gene: PIGQ (phosphatidylinositol glycan anchor biosynthesis class Q; plus strand). Cytogenetic location: 16p13.3.
Variant type: single nucleotide variant.
Coding change: c.1210G>A on transcript NM_004204.5 (MANE Select); coding-DNA position 1210, G replaced by A.
Protein change: p.Val404Ile; replaces valine 404 with isoleucine.
Molecular consequence: missense variant.
Genome position (GRCh38, 1-based): chr16:578,925, G>A. VCF-style: chr16-578925-G-A. GRCh37 (hg19) VCF-style: chr16-628925-G-A.
Other names: c.1210G>A, p.Val404Ile (NM_148920.4); c.1210G>A (NM_148920.1); short protein forms V404I.
Identifiers: ClinVar variation 844685 (VCV000844685.3), dbSNP rs558909404, ClinGen allele CA7780152.

ClinVar aggregate classification (germline): Uncertain significance. Review status: criteria provided, multiple submitters, no conflicts (2 of 4 stars). 2 submissions from 2 submitters: Uncertain significance (2). Last evaluated 2022-09-27.

Conditions:
Inborn genetic diseases. Identifiers: MedGen C0950123, MeSH D030342.
Epilepsy. Also called: Seizure disorder. Identifiers: MedGen C0014544, MeSH D004827, MONDO:0005027.

Allele frequency attached by ClinVar (database versions not stated): TOPMed 0.00001.
gnomAD v4.1: 39 of 1,609,008 alleles (0.0024%); highest among the groups gnomAD compares: South Asian, 0.027%; no homozygotes.

Submissions (2):

Labcorp Genetics (formerly Invitae), Labcorp
Classification: Uncertain significance for Epilepsy. Last evaluated: 2022-09-27. Review status: criteria provided, single submitter. Criteria: Invitae Variant Classification Sherloc (09022015). Collection method: clinical testing. Allele origin: germline.
Comment: This sequence change replaces valine, which is neutral and non-polar, with isoleucine, which is neutral and non-polar, at codon 404 of the PIGQ protein (p.Val404Ile). This variant is present in population databases (rs558909404, gnomAD 0.03%). This variant has not been reported in the literature in individuals affected with PIGQ-related conditions. ClinVar contains an entry for this variant (Variation ID: 844685). Algorithms developed to predict the effect of missense changes on protein structure and function are either unavailable or do not agree on the potential impact of this missense change (SIFT: "Tolerated"; PolyPhen-2: "Probably Damaging"; Align-GVGD: "Class C0"). In summary, the available evidence is currently insufficient to determine the role of this variant in disease. Therefore, it has been classified as a Variant of Uncertain Significance.

Ambry Genetics
Classification: Uncertain significance for Inborn genetic diseases. Last evaluated: 2020-12-29. Review status: criteria provided, single submitter. Criteria: Ambry Variant Classification Scheme 2023. Collection method: clinical testing. Allele origin: germline.
Comment: The c.1210G>A (p.V404I) alteration is located in exon 6 (coding exon 5) of the PIGQ gene. This alteration results from a G to A substitution at nucleotide position 1210, causing the valine (V) at amino acid position 404 to be replaced by an isoleucine (I). The p.V404I alteration is predicted to be tolerated by in silico analysis. Based on insufficient or conflicting evidence, the clinical significance of this alteration remains unclear.